The following is an entry in ClinVar:

NM_003803.4(MYOM1):c.19C>T (p.Gln7Ter)

Gene: MYOM1 (myomesin 1; minus strand). Cytogenetic location: 18p11.31.
Variant type: single nucleotide variant.
Coding change: c.19C>T on transcript NM_003803.4 (MANE Select); coding-DNA position 19, C replaced by T.
Protein change: p.Gln7Ter; replaces glutamine 7 with a stop codon.
Molecular consequence: nonsense.
Genome position (GRCh38, 1-based): chr18:3,215,205, G>A on the plus strand (C>T on the coding strand, the complement: MYOM1 is on the minus strand). VCF-style: chr18-3215205-G-A. GRCh37 (hg19) VCF-style: chr18-3215203-G-A.
Other names: c.19C>T, p.Gln7Ter (NM_019856.2); short protein forms Q7*.
Identifiers: ClinVar variation 854302 (VCV000854302.7), dbSNP rs774833040, ClinGen allele CA401718517.

ClinVar aggregate classification (germline): Uncertain significance (1 of 4 stars; one submission).

Conditions:
Hypertrophic cardiomyopathy. Also called: HYPERTROPHIC MYOCARDIOPATHY. Identifiers: Orphanet 217569, MedGen C0007194, MeSH D002312, MONDO:0005045, HP:0001639.

Submission:

Labcorp Genetics (formerly Invitae), Labcorp
Classification: Uncertain significance for Hypertrophic cardiomyopathy. Last evaluated: 2025-03-24. Review status: criteria provided, single submitter. Criteria: Invitae Variant Classification Sherloc (09022015). Collection method: clinical testing. Allele origin: germline.
Comment: This sequence change creates a premature translational stop signal (p.Gln7*) in the MYOM1 gene. It is expected to result in an absent or disrupted protein product. However, the current clinical and genetic evidence is not sufficient to establish whether loss-of-function variants in MYOM1 cause disease. This variant is not present in population databases (gnomAD no frequency). This variant has not been reported in the literature in individuals affected with MYOM1-related conditions. ClinVar contains an entry for this variant (Variation ID: 854302). In summary, the available evidence is currently insufficient to determine the role of this variant in disease. Therefore, it has been classified as a Variant of Uncertain Significance.